The following is an entry in ClinVar:

NM_006269.2(RP1):c.6173C>T (p.Thr2058Ile)

Gene: RP1 (RP1 axonemal microtubule associated; plus strand). Cytogenetic location: 8q12.1.
Variant type: single nucleotide variant.
Coding change: c.6173C>T on transcript NM_006269.2 (MANE Select); coding-DNA position 6173, C replaced by T.
Protein change: p.Thr2058Ile; replaces threonine 2058 with isoleucine.
Molecular consequence: missense variant. On other transcripts: intron variant (1).
Genome position (GRCh38, 1-based): chr8:54,630,055, C>T. VCF-style: chr8-54630055-C-T. GRCh37 (hg19) VCF-style: chr8-55542615-C-T.
Other names: c.787+7767C>T (NM_001375654.1); short protein forms T2058I.
Identifiers: ClinVar variation 1475447 (VCV001475447.8), dbSNP rs2129318587, ClinGen allele CA370990923.

ClinVar aggregate classification (germline): Uncertain significance (1 of 4 stars; one submission).

Submission:

Labcorp Genetics (formerly Invitae), Labcorp
Classification: Uncertain significance. Last evaluated: 2021-04-24. Review status: criteria provided, single submitter. Criteria: Invitae Variant Classification Sherloc (09022015). Collection method: clinical testing. Allele origin: germline.
Comment: This sequence change replaces threonine with isoleucine at codon 2058 of the RP1 protein (p.Thr2058Ile). The threonine residue is moderately conserved and there is a moderate physicochemical difference between threonine and isoleucine. In summary, the available evidence is currently insufficient to determine the role of this variant in disease. Therefore, it has been classified as a Variant of Uncertain Significance. Algorithms developed to predict the effect of missense changes on protein structure and function (SIFT, PolyPhen-2, Align-GVGD) all suggest that this variant is likely to be tolerated, but these predictions have not been confirmed by published functional studies and their clinical significance is uncertain. This variant has been observed in individual(s) with clinical features of retinitis pigmentoa (Invitae). This variant is not present in population databases (ExAC no frequency).